The following is an entry in ClinVar:

NM_006767.4(LZTR1):c.977C>T (p.Pro326Leu)

Gene: LZTR1 (leucine zipper like post translational regulator 1; plus strand). Cytogenetic location: 22q11.21.
Variant type: single nucleotide variant.
Coding change: c.977C>T on transcript NM_006767.4 (MANE Select); coding-DNA position 977, C replaced by T.
Protein change: p.Pro326Leu; replaces proline 326 with leucine.
Molecular consequence: missense variant.
Genome position (GRCh38, 1-based): chr22:20,991,813, C>T. VCF-style: chr22-20991813-C-T. GRCh37 (hg19) VCF-style: chr22-21346102-C-T.
Other names: short protein forms P326L.
Identifiers: ClinVar variation 1768164 (VCV001768164.3), dbSNP rs2518617376, ClinGen allele CA410781622.

ClinVar aggregate classification (germline): Uncertain significance (1 of 4 stars; one submission).

Conditions:
Cardiovascular phenotype. Identifiers: MedGen CN230736.
Hereditary cancer-predisposing syndrome. Also called: Hereditary Cancer Syndrome; Hereditary neoplastic syndrome; Neoplastic Syndromes, Hereditary; Tumor predisposition. Identifiers: Orphanet 140162, MedGen C0027672, MeSH D009386, MONDO:0015356.

Submission:

Ambry Genetics
Classification: Uncertain significance for Cardiovascular phenotype; Hereditary cancer-predisposing syndrome. Last evaluated: 2025-05-21. Review status: criteria provided, single submitter. Criteria: Ambry Variant Classification Scheme 2023. Collection method: clinical testing. Allele origin: germline.
Comment: The p.P326L variant (also known as c.977C>T), located in coding exon 9 of the LZTR1 gene, results from a C to T substitution at nucleotide position 977. The proline at codon 326 is replaced by leucine, an amino acid with similar properties. This amino acid position is well conserved in available vertebrate species. In addition, the in silico prediction for this alteration is inconclusive. Based on the available evidence, the clinical significance of this variant remains unclear.